The following is an entry in ClinVar:

ClinVar aggregate classification (germline): Likely benign. Review status: criteria provided, multiple submitters, no conflicts (2 of 4 stars). 5 submissions from 5 submitters: Likely benign (3). 2 of the submissions do not count toward it. Last evaluated 2026-02-01.

Conditions:
NEB-related disorder. Also called: NEB-related condition; NEB-Related Disorders.
Nemaline myopathy 2 (NEM2). Also called: Nemaline myopathy 2, autosomal recessive. Identifiers: MedGen C1850569, MONDO:0009725, OMIM 256030.

Allele frequency attached by ClinVar (database versions not stated): gnomAD exomes 0.00037; ExAC 0.00047; 1000 Genomes Project 0.00140; gnomAD 0.00163 and 0.00180; 1000 Genomes Project 30x 0.00172; ESP Exome Variant Server 0.00180; TOPMed 0.00188.
gnomAD v4.1: 512 of 1,611,524 alleles (0.032%); highest among the groups gnomAD compares: African/African-American, 0.56%; no homozygotes.

Submissions (5):

Labcorp Genetics (formerly Invitae), Labcorp
Classification: Likely benign for Nemaline myopathy 2. Last evaluated: 2026-02-01. Review status: criteria provided, single submitter. Criteria: Invitae Variant Classification Sherloc (09022015). Collection method: clinical testing. Allele origin: germline.

Women's Health and Genetics/Laboratory Corporation of America, LabCorp
Classification: Likely benign. Last evaluated: 2023-08-24. Review status: criteria provided, single submitter. Criteria: LabCorp Variant Classification Summary - May 2015. Collection method: clinical testing. Allele origin: germline.
Comment: Variant summary: NEB c.18579+6T>C alters a conserved nucleotide located close to a canonical splice site and therefore could affect mRNA splicing, leading to a significantly altered protein sequence. Several computational tools predict a significant impact on normal splicing: Three predict the variant weakens a canonical 5' donor site, while one predicts the variant has no significant impact on splicing. However, these predictions have yet to be confirmed by functional studies. The variant allele was found at a frequency of 0.00052 in 279568 control chromosomes (gnomAD), predominantly at a frequency of 0.0055 within the African or African-American subpopulation in the gnomAD database. The observed variant frequency within African or African-American control individuals in the gnomAD database is approximately 1.56 fold of the estimated maximal expected allele frequency for a pathogenic variant in NEB causing Nemaline Myopathy 2 (0.0035), suggesting that the variant is a benign polymorphism found primarily in populations of African or African-American origin. To our knowledge, no occurrence of c.18579+6T>C in individuals affected with Nemaline Myopathy 2 and no experimental evidence demonstrating its impact on protein function have been reported. Two ClinVar submitters have assessed the variant since 2014, and both classified the variant as likely benign. Based on the evidence outlined above, the variant was classified as likely benign.

GeneDx
Classification: Likely benign. Last evaluated: 2020-01-20. Review status: criteria provided, single submitter. Criteria: GeneDx Variant Classification Process June 2021. Collection method: clinical testing. Allele origin: germline. Affected: yes.

PreventionGenetics, part of Exact Sciences
Classification: Likely benign for NEB-related condition. Last evaluated: 2020-03-13. Review status: no assertion criteria provided. Collection method: clinical testing. Allele origin: germline. Not counted in ClinVar's aggregate classification.
Comment: This variant is classified as likely benign based on ACMG/AMP sequence variant interpretation guidelines (Richards et al. 2015 PMID: 25741868, with internal and published modifications).

Department of Pathology and Laboratory Medicine, Sinai Health System
Classification: Uncertain significance. Review status: no assertion criteria provided. Collection method: clinical testing. Allele origin: unknown. Affected: yes. Study: The Canadian Open Genetics Repository (COGR). Not counted in ClinVar's aggregate classification.
Comment: The NEB c.18579+6T>C variant was not identified in the literature but was identified in dbSNP (ID: rs116189169), ClinVar (classified as likely benign by GeneDx and Invitae), and LOVD 3.0. The variant was identified in control databases in 145 of 279568 chromosomes at a frequency of 0.0005187 increasing the likelihood this could be a low frequency benign variant (Genome Aggregation Database March 6, 2019, v2.1.1). The variant was observed in the following populations: African in 134 of 24160 chromosomes (freq: 0.005546), Other in 2 of 7100 chromosomes (freq: 0.000282), Latino in 6 of 35230 chromosomes (freq: 0.00017) and European (non-Finnish) in 3 of 127768 chromosomes (freq: 0.000023), but was not observed in the Ashkenazi Jewish, East Asian, European (Finnish), or South Asian populations. The c.18579+6T>C variant is located in the 5' splice region but does not affect the invariant +1 and +2 positions. However, positions +3 to +6 are part of the splicing consensus sequence and variants involving these positions sometimes affect splicing. In addition, 3 of 4 in silico or computational prediction software programs (SpliceSiteFinder, MaxEntScan, NNSPLICE, GeneSplicer) predict a greater than 10% difference in splicing, however this is not preditive enough to assume pathogenicity. In summary, based on the above information the clinical significance of this variant cannot be determined with certainty at this time. This variant is classified as a variant of uncertain significance.

NM_001164508.2(NEB):c.18579+6T>C

Gene: NEB (nebulin; minus strand). Cytogenetic location: 2q23.3.
Variant type: single nucleotide variant.
Coding change: c.18579+6T>C on transcript NM_001164508.2 (MANE Select); 6 bases into the intron after coding-DNA position 18579, T replaced by C.
Molecular consequence: intron variant.
Genome position (GRCh38, 1-based): chr2:151,563,817, A>G on the plus strand (T>C on the coding strand, the complement: NEB is on the minus strand). VCF-style: chr2-151563817-A-G. GRCh37 (hg19) VCF-style: chr2-152420331-A-G.
Other names: c.13476+6T>C (NM_004543.5); c.18579+6T>C (NM_001164507.2, NM_001271208.2).
Identifiers: ClinVar variation 465520 (VCV000465520.18), dbSNP rs116189169, ClinGen allele CA1907925.